The following is an entry in ClinVar:

NM_018942.3(HMX1):c.637A>T (p.Ser213Cys)

Gene: HMX1 (H6 family homeobox 1; minus strand). Cytogenetic location: 4p16.1.
Variant type: single nucleotide variant.
Coding change: c.637A>T on transcript NM_018942.3 (MANE Select); coding-DNA position 637, A replaced by T.
Protein change: p.Ser213Cys; replaces serine 213 with cysteine.
Molecular consequence: missense variant. On other transcripts: intron variant (1).
Genome position (GRCh38, 1-based): chr4:8,868,103, T>A on the plus strand (A>T on the coding strand, the complement: HMX1 is on the minus strand). VCF-style: chr4-8868103-T-A. GRCh37 (hg19) VCF-style: chr4-8869829-T-A.
Other names: c.394+3118A>T (NM_001306142.2); short protein forms S213C.
Identifiers: ClinVar variation 2120732 (VCV002120732.4), dbSNP rs2474393177, ClinGen allele CA356278144.

ClinVar aggregate classification (germline): Uncertain significance (1 of 4 stars; one submission).

Submission:

Labcorp Genetics (formerly Invitae), Labcorp
Classification: Uncertain significance. Last evaluated: 2022-04-01. Review status: criteria provided, single submitter. Criteria: Invitae Variant Classification Sherloc (09022015). Collection method: clinical testing. Allele origin: germline.
Comment: This sequence change replaces serine, which is neutral and polar, with cysteine, which is neutral and slightly polar, at codon 213 of the HMX1 protein (p.Ser213Cys). This variant is not present in population databases (gnomAD no frequency). This variant has not been reported in the literature in individuals affected with HMX1-related conditions. Algorithms developed to predict the effect of missense changes on protein structure and function are either unavailable or do not agree on the potential impact of this missense change (SIFT: "Deleterious"; PolyPhen-2: "Probably Damaging"; Align-GVGD: "Class C15"). Algorithms developed to predict the effect of sequence changes on RNA splicing suggest that this variant may create or strengthen a splice site. In summary, the available evidence is currently insufficient to determine the role of this variant in disease. Therefore, it has been classified as a Variant of Uncertain Significance.